The following is an entry in ClinVar:

ClinVar aggregate classification (germline): Likely benign. Review status: criteria provided, multiple submitters, no conflicts (2 of 4 stars). 3 submissions from 3 submitters: Likely benign (3). Last evaluated 2024-11-27.

Conditions:
Charcot-Marie-Tooth disease type 4. Also called: Charcot-Marie-Tooth disease, type IV; Charcot-Marie-Tooth, Type 4. Identifiers: Orphanet 64749, MedGen C4082197, MONDO:0018995.
Inborn genetic diseases. Identifiers: MedGen C0950123, MeSH D030342.

Allele frequency attached by ClinVar (database versions not stated): gnomAD 0.00001 and 0.00002; ExAC 0.00002; gnomAD exomes 0.00002 and 0.00004; TOPMed 0.00002; ESP Exome Variant Server 0.00008.
gnomAD v4.1: 67 of 1,614,052 alleles (0.0042%); highest among the groups gnomAD compares: Non-Finnish European, 0.0055%; no homozygotes.

Submissions (3):

Labcorp Genetics (formerly Invitae), Labcorp
Classification: Likely benign for Charcot-Marie-Tooth disease type 4. Last evaluated: 2024-11-27. Review status: criteria provided, single submitter. Criteria: Invitae Variant Classification Sherloc (09022015). Collection method: clinical testing. Allele origin: germline.

CeGaT Center for Human Genetics Tuebingen
Classification: Likely benign. Last evaluated: 2024-02-01. Review status: criteria provided, single submitter. Criteria: CeGaT Center For Human Genetics Tuebingen Variant Classification Criteria Version 2. Collection method: clinical testing. Allele origin: germline. Affected: yes. Observed: 1 variant allele.
Comment: FGD4: BP4, BP7

Ambry Genetics
Classification: Likely benign for Inborn genetic diseases. Last evaluated: 2019-07-11. Review status: criteria provided, single submitter. Criteria: Ambry Variant Classification Scheme 2023. Collection method: clinical testing. Allele origin: germline.

NM_001370298.3(FGD4):c.1194T>C (p.Asn398=)

Gene: FGD4 (FYVE, RhoGEF and PH domain containing 4; plus strand). Cytogenetic location: 12p11.21.
Variant type: single nucleotide variant.
Coding change: c.1194T>C on transcript NM_001370298.3 (MANE Select); coding-DNA position 1194, T replaced by C.
Protein change: p.Asn398=; no amino-acid change (asparagine 398 retained).
Molecular consequence: synonymous variant. On other transcripts: 5 prime UTR variant (1).
Genome position (GRCh38, 1-based): chr12:32,601,370, T>C. VCF-style: chr12-32601370-T-C. GRCh37 (hg19) VCF-style: chr12-32754304-T-C.
Other names: c.783T>C (NM_139241.2); c.1038T>C, p.Asn346= (NM_001304481.2); c.39T>C, p.Asn13= (NM_001304483.2); c.-269T>C (NM_001304484.2); c.504T>C, p.Asn168= (NM_001330373.2, NM_001330374.2, NM_001384130.1); c.231T>C, p.Asn77= (NM_001370297.1); c.1194T>C, p.Asn398= (NM_001384126.1); c.783T>C, p.Asn261= (NM_001384127.1, NM_001384128.1, NM_001385118.1 and 1 more transcripts).
Identifiers: ClinVar variation 543447 (VCV000543447.36), dbSNP rs201678865, ClinGen allele CA6506716.
Genomic context (GRCh38, chr12:32,601,370, plus strand): 5'-CCGAGGCTCGTTTCCAGCAGAGATGGTGAATAAAATCTTTTCTAATATTTCATCAATAAA[T>C]GCCTTCCATAGTAAATTCCTCTTGCCAGAGCTGGAGAAACGAATGCAAGAATGGTAAGAG-3'
Protein context (NP_001357227.2, residues 388-408): NKIFSNISSI[Asn398=]AFHSKFLLPE